The following is an entry in ClinVar:

ClinVar aggregate classification (germline): Uncertain significance (1 of 4 stars; one submission).

Conditions:
Cardiovascular phenotype. Identifiers: MedGen CN230736.

gnomAD v4.1: 2 of 1,613,188 alleles (0.00012%); highest among the groups gnomAD compares: Admixed American, 0.0017%; no homozygotes.

Submission:

Ambry Genetics
Classification: Uncertain significance for Cardiovascular phenotype. Last evaluated: 2026-08-18. Review status: criteria provided, single submitter. Criteria: Ambry Variant Classification Scheme 2023. Collection method: clinical testing. Allele origin: germline.
Comment: The c.3328+1G>T intronic variant results from a G to T substitution one nucleotide after coding exon 21 of the TRPM4 gene. This nucleotide position is highly conserved in available vertebrate species. In silico splice site analysis predicts that this alteration will weaken the native splice donor site. Variants that disrupt the canonical splice site are expected to cause aberrant splicing, resulting in an abnormal protein or a transcript that is subject to nonsense-mediated mRNA decay. However, loss of function has not been established as a mechanism of disease. Based on the available evidence, the clinical significance of this variant remains unclear.

NM_017636.4(TRPM4):c.3328+1G>T

Gene: TRPM4 (transient receptor potential cation channel subfamily M member 4; plus strand). Cytogenetic location: 19q13.33.
Variant type: single nucleotide variant.
Coding change: c.3328+1G>T on transcript NM_017636.4 (MANE Select); the canonical splice donor site of the intron after coding-DNA position 3328, G replaced by T.
Molecular consequence: splice donor variant.
Genome position (GRCh38, 1-based): chr19:49,210,406, G>T. VCF-style: chr19-49210406-G-T. GRCh37 (hg19) VCF-style: chr19-49713663-G-T.
Other names: c.2893+1G>T (NM_001195227.2); c.1720+1G>T (NM_001321282.2); c.2983+1G>T (NM_001321281.2); c.2806+1G>T (NM_001321283.2); c.2266+1G>T (NM_001321285.2).
Identifiers: ClinVar variation 5031146 (VCV005031146.1).